The following is an entry in ClinVar:

NM_052844.4(DYNC2I2):c.1558G>A (p.Gly520Arg)

Gene: DYNC2I2 (dynein 2 intermediate chain 2; minus strand). Cytogenetic location: 9q34.11.
Variant type: single nucleotide variant.
Coding change: c.1558G>A on transcript NM_052844.4 (MANE Select); coding-DNA position 1558, G replaced by A.
Protein change: p.Gly520Arg; replaces glycine 520 with arginine.
Molecular consequence: missense variant.
Genome position (GRCh38, 1-based): chr9:128,633,797, C>T on the plus strand (G>A on the coding strand, the complement: DYNC2I2 is on the minus strand). VCF-style: chr9-128633797-C-T. GRCh37 (hg19) VCF-style: chr9-131396076-C-T.
Other names: short protein forms G520R.
Identifiers: ClinVar variation 2115642 (VCV002115642.4), dbSNP rs1015222339, ClinGen allele CA200416497.

ClinVar aggregate classification (germline): Uncertain significance (1 of 4 stars; one submission).

Conditions:
Short-rib thoracic dysplasia 11 with or without polydactyly (SRTD11). Also called: SHORT-RIB THORACIC DYSPLASIA 11 WITHOUT POLYDACTYLY. Identifiers: Orphanet 474, Orphanet 93271, MedGen C3810200, MONDO:0014287, OMIM 615633.

Allele frequency attached by ClinVar (database versions not stated): gnomAD exomes 0.00001; TOPMed 0.00001.
gnomAD v4.1: 4 of 1,613,640 alleles (0.00025%); highest among the groups gnomAD compares: African/African-American, 0.0013%; no homozygotes.

Submission:

Labcorp Genetics (formerly Invitae), Labcorp
Classification: Uncertain significance for Short-rib thoracic dysplasia 11 with or without polydactyly. Last evaluated: 2022-03-21. Review status: criteria provided, single submitter. Criteria: Invitae Variant Classification Sherloc (09022015). Collection method: clinical testing. Allele origin: germline.
Comment: In summary, the available evidence is currently insufficient to determine the role of this variant in disease. Therefore, it has been classified as a Variant of Uncertain Significance. Algorithms developed to predict the effect of missense changes on protein structure and function (SIFT, PolyPhen-2, Align-GVGD) all suggest that this variant is likely to be tolerated. This variant has not been reported in the literature in individuals affected with WDR34-related conditions. This variant is present in population databases (no rsID available, gnomAD 0.0009%). This sequence change replaces glycine, which is neutral and non-polar, with arginine, which is basic and polar, at codon 520 of the WDR34 protein (p.Gly520Arg).